The following is an entry in ClinVar:

NM_005529.7(HSPG2):c.4973T>C (p.Val1658Ala)

Gene: HSPG2 (heparan sulfate proteoglycan 2; minus strand). Cytogenetic location: 1p36.12.
Variant type: single nucleotide variant.
Coding change: c.4973T>C on transcript NM_005529.7 (MANE Select); coding-DNA position 4973, T replaced by C.
Protein change: p.Val1658Ala; replaces valine 1658 with alanine.
Molecular consequence: missense variant.
Genome position (GRCh38, 1-based): chr1:21,860,218, A>G on the plus strand (T>C on the coding strand, the complement: HSPG2 is on the minus strand). VCF-style: chr1-21860218-A-G. GRCh37 (hg19) VCF-style: chr1-22186711-A-G.
Other names: c.4976T>C, p.Val1659Ala (NM_001291860.2); c.4973T>C (NM_005529.5); short protein forms V1658A, V1659A.
Identifiers: ClinVar variation 3711057 (VCV003711057.3).
Genomic context (GRCh38, chr1:21,860,218, plus strand): 5'-GGGCCATGGTCCCACTTACTCTCTGGCAGGCACTGGCCCCCTTGCACACTGGGGTTACCC[A>G]CGTAACCTGGGCCACACCTGTAAGGGGGAACAAGGGCCGGCAATGTCAGGCCTCAAGGGC-3'
Protein context (NP_005520.4, residues 1648-1668): QYCEQCGPGY[Val1658Ala]GNPSVQGGQC

ClinVar aggregate classification (germline): Uncertain significance. Review status: criteria provided, multiple submitters, no conflicts (2 of 4 stars). 2 submissions from 2 submitters: Uncertain significance (2). Last evaluated 2025-08-26.

Conditions:
Inborn genetic diseases. Identifiers: MedGen C0950123, MeSH D030342.

gnomAD v4.1: 5 of 1,613,482 alleles (0.00031%); highest among the groups gnomAD compares: Admixed American, 0.005%; no homozygotes.

Submissions (2):

Ambry Genetics
Classification: Uncertain significance for Inborn genetic diseases. Last evaluated: 2025-08-26. Review status: criteria provided, single submitter. Criteria: Ambry Variant Classification Scheme 2023. Collection method: clinical testing. Allele origin: germline.

Labcorp Genetics (formerly Invitae), Labcorp
Classification: Uncertain significance. Last evaluated: 2025-01-17. Review status: criteria provided, single submitter. Criteria: Invitae Variant Classification Sherloc (09022015). Collection method: clinical testing. Allele origin: germline.
Comment: This sequence change replaces valine, which is neutral and non-polar, with alanine, which is neutral and non-polar, at codon 1658 of the HSPG2 protein (p.Val1658Ala). This variant is present in population databases (rs374915307, gnomAD 0.003%). This variant has not been reported in the literature in individuals affected with HSPG2-related conditions. An algorithm developed to predict the effect of missense changes on protein structure and function (PolyPhen-2) suggests that this variant is likely to be tolerated. In summary, the available evidence is currently insufficient to determine the role of this variant in disease. Therefore, it has been classified as a Variant of Uncertain Significance.